The following is an entry in ClinVar:

ClinVar aggregate classification (germline): Uncertain significance. Review status: criteria provided, multiple submitters, no conflicts (2 of 4 stars). 2 submissions from 2 submitters: Uncertain significance (2). Last evaluated 2025-07-01.

Conditions:
Inborn genetic diseases. Identifiers: MedGen C0950123, MeSH D030342.

gnomAD v4.1: 2 of 1,612,944 alleles (0.00012%); highest among the groups gnomAD compares: African/African-American, 0.0027%; no homozygotes.

Submissions (2):

Ambry Genetics
Classification: Uncertain significance for Inborn genetic diseases. Last evaluated: 2025-07-01. Review status: criteria provided, single submitter. Criteria: Ambry Variant Classification Scheme 2023. Collection method: clinical testing. Allele origin: germline.

Labcorp Genetics (formerly Invitae), Labcorp
Classification: Uncertain significance. Last evaluated: 2022-02-23. Review status: criteria provided, single submitter. Criteria: Invitae Variant Classification Sherloc (09022015). Collection method: clinical testing. Allele origin: germline.
Comment: This sequence change replaces lysine, which is basic and polar, with threonine, which is neutral and polar, at codon 692 of the RNF216 protein (p.Lys692Thr). This variant is not present in population databases (gnomAD no frequency). This variant has not been reported in the literature in individuals affected with RNF216-related conditions. Algorithms developed to predict the effect of missense changes on protein structure and function (SIFT, PolyPhen-2, Align-GVGD) all suggest that this variant is likely to be disruptive. In summary, the available evidence is currently insufficient to determine the role of this variant in disease. Therefore, it has been classified as a Variant of Uncertain Significance.

NM_207111.4(RNF216):c.2075A>C (p.Lys692Thr)

Gene: RNF216 (ring finger protein 216; minus strand). Cytogenetic location: 7p22.1.
Variant type: single nucleotide variant.
Coding change: c.2075A>C on transcript NM_207111.4 (MANE Select); coding-DNA position 2075, A replaced by C.
Protein change: p.Lys692Thr; replaces lysine 692 with threonine.
Molecular consequence: missense variant.
Genome position (GRCh38, 1-based): chr7:5,652,497, T>G on the plus strand (A>C on the coding strand, the complement: RNF216 is on the minus strand). VCF-style: chr7-5652497-T-G. GRCh37 (hg19) VCF-style: chr7-5692128-T-G.
Other names: c.1904A>C, p.Lys635Thr (NM_001377156.1, NM_207116.3); c.2075A>C (NM_207111.3); short protein forms K635T, K692T.
Identifiers: ClinVar variation 2100631 (VCV002100631.5), dbSNP rs777743803, ClinGen allele CA366713859.
Genomic context (GRCh38, chr7:5,652,497, plus strand): 5'-TCTTTTTCAGCCAGCTCTTCACAGGTGAGGCCATTATGTTCTTTCCAGAGTCCCTGACAC[T>G]TCCTACAGGTTTCCTGGGGATAAAGGACAGACACAAAGACAACTCCTGGTGAGTGGACAC-3'
Protein context (NP_996994.1, residues 682-702): NPHCRKETCR[Lys692Thr]CQGLWKEHNG